The following is an entry in ClinVar:

ClinVar aggregate classification (germline): Pathogenic. Review status: criteria provided, multiple submitters, no conflicts (2 of 4 stars). 2 submissions from 2 submitters: Pathogenic (2). Last evaluated 2023-03-12.

Conditions:
Hereditary breast ovarian cancer syndrome. Also called: Hereditary breast and ovarian cancer; Hereditary breast and ovarian cancer syndrome; Breast and ovarian cancer; Hereditary breast and/or ovarian cancer syndrome; BRCA1- and BRCA2-Associated Hereditary Breast and Ovarian Cancer; Hereditary breast and ovarian cancer syndrome (HBOC). Identifiers: Orphanet 145, MedGen C0677776, MeSH D061325, MONDO:0003582. Disease mechanism: loss of function.
Hereditary cancer-predisposing syndrome. Also called: Tumor predisposition; Hereditary Cancer Syndrome; Neoplastic Syndromes, Hereditary; Hereditary neoplastic syndrome. Identifiers: Orphanet 140162, MedGen C0027672, MeSH D009386, MONDO:0015356.

Submissions (2):

Labcorp Genetics (formerly Invitae), Labcorp
Classification: Pathogenic for Hereditary breast ovarian cancer syndrome. Last evaluated: 2023-03-12. Review status: criteria provided, single submitter. Criteria: Invitae Variant Classification Sherloc (09022015). Collection method: clinical testing. Allele origin: germline.
Comment: For these reasons, this variant has been classified as Pathogenic. ClinVar contains an entry for this variant (Variation ID: 1794679). This variant has not been reported in the literature in individuals affected with BRCA1-related conditions. This variant is not present in population databases (gnomAD no frequency). This sequence change creates a premature translational stop signal (p.Glu337Glyfs*9) in the BRCA1 gene. It is expected to result in an absent or disrupted protein product. Loss-of-function variants in BRCA1 are known to be pathogenic (PMID: 20104584).

Ambry Genetics
Classification: Pathogenic for Hereditary cancer-predisposing syndrome. Last evaluated: 2021-05-06. Review status: criteria provided, single submitter. Criteria: Ambry Variant Classification Scheme 2023. Collection method: clinical testing. Allele origin: germline.
Comment: The c.1009dupG pathogenic mutation, located in coding exon 9 of the BRCA1 gene, results from a duplication of G at nucleotide position 1009, causing a translational frameshift with a predicted alternate stop codon (p.E337Gfs*9). This alteration is expected to result in loss of function by premature protein truncation or nonsense-mediated mRNA decay. As such, this alteration is interpreted as a disease-causing mutation.

Literature cited by the submitters: PubMed 20104584 (cited by Labcorp Genetics (formerly Invitae), Labcorp).

NM_007294.4(BRCA1):c.1009dup (p.Glu337fs)

Gene: BRCA1 (BRCA1 DNA repair associated; minus strand). Cytogenetic location: 17q21.31.
Variant type: Duplication.
Coding change: c.1009dup on transcript NM_007294.4 (MANE Select); coding-DNA position 1009, one base duplicated (G; older notation c.1009dupG).
Protein change: p.Glu337fs; shifts the reading frame from glutamic acid 337.
Molecular consequence: frameshift variant. On other transcripts: intron variant (137).
Genome position (GRCh38, 1-based): chr17:43,094,522, C duplicated on the plus strand (G on the coding strand, the reverse complement: BRCA1 is on the minus strand). VCF-style (leftmost placement, unchanged base first): chr17-43094521-T-TC. GRCh37 (hg19) VCF-style: chr17-41246538-T-TC.
Other names: c.1009dupG (NM_007294.3); c.796dup, p.Glu266fs (NM_001407897.1, NM_001407898.1, NM_001407899.1 and 9 more transcripts); c.799dup, p.Glu267fs (NM_001407900.1, NM_001407902.1, NM_001407904.1 and 13 more transcripts); c.886dup, p.Glu296fs (NM_001407919.1, NM_001407937.1, NM_001407938.1 and 19 more transcripts); c.745dup, p.Glu249fs (NM_001407920.1, NM_001407921.1, NM_001407922.1 and 9 more transcripts); c.742dup, p.Glu248fs (NM_001407930.1, NM_001407931.1, NM_001407932.1 and 2 more transcripts); c.883dup, p.Glu295fs (NM_001407940.1, NM_001407941.1, NM_001407649.1 and 11 more transcripts); c.868dup, p.Glu290fs (NM_001407942.1, NM_001407944.1, NM_001407945.1 and 29 more transcripts); and 41 more; short protein forms E290fs, E337fs, E169fs, E249fs, E266fs, E269fs, E289fs, E41fs.
Identifiers: ClinVar variation 1794679 (VCV001794679.5), dbSNP rs2552225185, ClinGen allele CA2580093928.